The following is an entry in ClinVar:

ClinVar aggregate classification (germline): Uncertain significance (1 of 4 stars; one submission).

Submission:

Labcorp Genetics (formerly Invitae), Labcorp
Classification: Uncertain significance. Last evaluated: 2022-03-09. Review status: criteria provided, single submitter. Criteria: Invitae Variant Classification Sherloc (09022015). Collection method: clinical testing. Allele origin: germline.
Comment: This variant has not been reported in the literature in individuals affected with COL4A1-related conditions. In summary, the available evidence is currently insufficient to determine the role of this variant in disease. Therefore, it has been classified as a Variant of Uncertain Significance. Variants that disrupt the consensus splice site are a relatively common cause of aberrant splicing (PMID: 17576681, 9536098). Algorithms developed to predict the effect of sequence changes on RNA splicing suggest that this variant is not likely to affect RNA splicing. This variant is not present in population databases (gnomAD no frequency). This sequence change falls in intron 4 of the COL4A1 gene. It does not directly change the encoded amino acid sequence of the COL4A1 protein. It affects a nucleotide within the consensus splice site.

Literature cited by the submitters: PubMed 17576681; PubMed 9536098.

NM_001845.6(COL4A1):c.280-3C>T

Gene: COL4A1 (collagen type IV alpha 1 chain; minus strand). Cytogenetic location: 13q34.
Variant type: single nucleotide variant.
Coding change: c.280-3C>T on transcript NM_001845.6 (MANE Select); 3 bases into the intron before coding-DNA position 280, C replaced by T.
Molecular consequence: intron variant.
Genome position (GRCh38, 1-based): chr13:110,212,621, G>A on the plus strand (C>T on the coding strand, the complement: COL4A1 is on the minus strand). VCF-style: chr13-110212621-G-A. GRCh37 (hg19) VCF-style: chr13-110864968-G-A.
Other names: c.280-3C>T (NM_001303110.2).
Identifiers: ClinVar variation 1983266 (VCV001983266.4), dbSNP rs756749406, ClinGen allele CA2580087247.